The following is an entry in ClinVar:

NM_001165963.4(SCN1A):c.1029-5T>A

Gene: SCN1A (sodium voltage-gated channel alpha subunit 1; minus strand). Cytogenetic location: 2q24.3.
Variant type: single nucleotide variant.
Coding change: c.1029-5T>A on transcript NM_001165963.4 (MANE Select); 5 bases into the intron before coding-DNA position 1029, T replaced by A.
Molecular consequence: intron variant.
Genome position (GRCh38, 1-based): chr2:166,047,773, A>T on the plus strand (T>A on the coding strand, the complement: SCN1A is on the minus strand). VCF-style: chr2-166047773-A-T. GRCh37 (hg19) VCF-style: chr2-166904283-A-T.
Other names: c.1029-5T>A (NM_001353954.2, NM_001165964.3, NM_001353952.2 and 10 more transcripts); c.-1397-5T>A (NM_001353961.2).
Identifiers: ClinVar variation 4291800 (VCV004291800.1).

ClinVar aggregate classification (germline): Uncertain significance (1 of 4 stars; one submission).

Conditions:
SCN1A-related disorder. Also called: SCN1A-related conditions; SCN1A-related condition; SCN1A-related disorders.

Submission:

3billion
Classification: Uncertain significance for SCN1A-related disorder. Last evaluated: 2024-06-13. Review status: criteria provided, single submitter. Criteria: ACMG Guidelines, 2015. Collection method: clinical testing. Allele origin: germline. Affected: yes.
Comment: The variant is not observed in the gnomAD v4.0.0 dataset. Predicted Consequence/Location: Intron variant In silico tools predict the variant to alter splicing and produce an abnormal transcript [SpliceAI: 0.58 (>=0.2, moderate evidence for spliceogenicity)]. Therefore, this variant is classified as VUS according to the recommendation of ACMG/AMP guideline.